The following is an entry in ClinVar:

ClinVar aggregate classification (germline): Conflicting classifications of pathogenicity. Review status: criteria provided, conflicting classifications (1 of 4 stars). 12 submissions from 12 submitters: Uncertain significance (3); Benign (1); Likely benign (5). 3 of the submissions do not count toward it. Last evaluated 2026-01-26.

Conditions:
CFTR-related disorder (CFTR-RD). Also called: CFTR-related disorders; CFTR-related condition. Identifiers: MedGen C5924204, MONDO:7770004.
Cystic fibrosis (CF). Also called: MUCOVISCIDOSIS. Identifiers: Orphanet 586, MedGen C0010674, MONDO:0009061, OMIM 219700. Disease mechanism: loss of function.

Allele frequency attached by ClinVar (database versions not stated): gnomAD 0.00001 and 0.00011; TOPMed 0.00005; gnomAD exomes 0.00034; ExAC 0.00043; 1000 Genomes Project 30x 0.00109; 1000 Genomes Project 0.00120.
gnomAD v4.1: 303 of 1,260,782 alleles (0.024%); highest among the groups gnomAD compares: South Asian, 0.32%; 5 homozygotes.

Submissions (12):

Labcorp Genetics (formerly Invitae), Labcorp
Classification: Benign for Cystic fibrosis. Last evaluated: 2026-01-26. Review status: criteria provided, single submitter. Criteria: Invitae Variant Classification Sherloc (09022015). Collection method: clinical testing. Allele origin: germline.

CeGaT Center for Human Genetics Tuebingen
Classification: Likely benign. Last evaluated: 2025-05-01. Review status: criteria provided, single submitter. Criteria: CeGaT Center For Human Genetics Tuebingen Variant Classification Criteria Version 2. Collection method: clinical testing. Allele origin: germline. Affected: yes. Observed: 1 variant allele.
Comment: CFTR: BS1

Blueprint Genetics
Classification: Likely benign. Last evaluated: 2024-10-08. Review status: criteria provided, single submitter. Criteria: ACMG Guidelines, 2015. Collection method: clinical testing. Allele origin: germline.

Women's Health and Genetics/Laboratory Corporation of America, LabCorp
Classification: Likely benign. Last evaluated: 2024-06-25. Review status: criteria provided, single submitter. Criteria: LabCorp Variant Classification Summary - May 2015. Collection method: clinical testing. Allele origin: germline.
Comment: Variant summary: CFTR c.164+12T>C alters a non-conserved nucleotide located at a position not widely known to affect splicing. Consensus agreement among computation tools predict no significant impact on normal splicing. However, these predictions have yet to be confirmed by functional studies. The variant allele was found at a frequency of 0.00034 in 247964 control chromosomes, predominantly at a frequency of 0.0026 within the South Asian subpopulation in the gnomAD database, including 2 homozygotes. This frequency is not significantly higher than estimated for a pathogenic variant in CFTR causing Cystic Fibrosis (0.00034 vs 0.013), allowing no conclusion about variant significance. c.164+12T>C was reported in the homozygous state in two unrelated Cystic Fibrosis patients of Pakistani origin born to consanguineous parents (Malone_1998). However, due to the use of older mutational scanning technologies in this study, the possibility of missed co-occurrences with pathogenic variants in these patients cannot be ruled out. However, the patient was also homozygous for another pathogenic CFTR variant (c.3889dupT, p.Ser1297PhefsX5) present in cis with the variant of interest (Banjar_2017). Another study (Lascano-Vaca_2020), reported the variant in heterozygous state in 2 pediatric CF patients from Ecuador with a detailed genotype provided for one of the patients who also had known pathogenic variants F508del and W1098X, providing further supporting evidence for a benign role. . To our knowledge, no experimental evidence demonstrating an impact on protein function has been reported. The following publications have been ascertained in the context of this evaluation (PMID: 12007216, 9482579, 22975760, 19645745, 12530290, 26436105, 32026723, 32143663). ClinVar contains an entry for this variant (Variation ID: 53302). Based on the evidence outlined above, the variant was classified as likely benign.

ARUP Laboratories, Molecular Genetics and Genomics, ARUP Laboratories
Classification: Likely benign. Last evaluated: 2024-06-21. Review status: criteria provided, single submitter. Criteria: ARUP Molecular Germline Variant Investigation Process 2024. Collection method: clinical testing. Allele origin: germline.

Ambry Genetics
Classification: Likely benign for Cystic fibrosis. Last evaluated: 2023-06-28. Review status: criteria provided, single submitter. Criteria: Ambry Variant Classification Scheme 2023. Collection method: clinical testing. Allele origin: germline.

Institute of Human Genetics, University of Leipzig Medical Center
Classification: Uncertain significance for Cystic fibrosis. Last evaluated: 2022-09-05. Review status: criteria provided, single submitter. Criteria: ACMG Guidelines, 2015. Collection method: curation. Allele origin: unknown. Affected: yes. Observed: 1 variant allele.
Comment: The variant was classified in the context of a project re-classifying variants in the German Cystic Fibrosis Registry (Muko.e.V.). Criteria applied: PM3, PP4, BS2, BP2, BP4

Genome-Nilou Lab
Classification: Uncertain significance for Cystic fibrosis. Last evaluated: 2021-07-22. Review status: criteria provided, single submitter. Criteria: ACMG Guidelines, 2015. Collection method: clinical testing. Allele origin: germline. Affected: no.

Eurofins Ntd Llc (ga)
Classification: Uncertain significance. Last evaluated: 2017-04-10. Review status: criteria provided, single submitter. Criteria: EGL Classification Definitions 2015. Collection method: clinical testing. Allele origin: germline. Observed: 1 variant allele, 1 heterozygote.

PreventionGenetics, part of Exact Sciences
Classification: Uncertain significance for CFTR-related condition. Last evaluated: 2024-02-22. Review status: no assertion criteria provided. Collection method: clinical testing. Allele origin: germline. Not counted in ClinVar's aggregate classification.
Comment: The CFTR c.164+12T>C variant is predicted to interfere with splicing. This variant has been previously reported in homozygous state in individuals with cystic fibrosis (see for example: Trujillano et al. 2015. PubMed ID: 26436105 and Banjar et al. 2017. PubMed ID: 30805499). In one individual this variant was described as double homozygous, along with a second homozygous CFTR pathogenic variant (Banjar et al. 2017. PubMed ID: 30805499; ClinVarID:53841). This variant is reported in 0.26% of alleles in individuals of South Asian descent in gnomAD. At this time, the clinical significance of this variant is uncertain due to the absence of conclusive functional and genetic evidence.

Natera, Inc.
Classification: Likely benign for Cystic Fibrosis. Last evaluated: 2020-01-03. Review status: no assertion criteria provided. Collection method: clinical testing. Allele origin: germline. Not counted in ClinVar's aggregate classification.

ClinVar Staff, National Center for Biotechnology Information (NCBI)
No classification provided. Condition: CFTR-related disorders. Review status: no classification provided. Collection method: literature only. Allele origin: germline. Affected: yes. Not counted in ClinVar's aggregate classification.

Literature cited by the submitters: PubMed 12007216 (cited by Women's Health and Genetics/Laboratory Corporation of America, LabCorp); PubMed 9482579 (cited by 3 submitters); PubMed 22975760 (cited by Women's Health and Genetics/Laboratory Corporation of America, LabCorp); PubMed 19645745 (cited by Women's Health and Genetics/Laboratory Corporation of America, LabCorp); PubMed 12530290 (cited by Women's Health and Genetics/Laboratory Corporation of America, LabCorp); PubMed 26436105 (cited by Women's Health and Genetics/Laboratory Corporation of America, LabCorp and Ambry Genetics); PubMed 32026723 (cited by Women's Health and Genetics/Laboratory Corporation of America, LabCorp); PubMed 32143663 (cited by Women's Health and Genetics/Laboratory Corporation of America, LabCorp).

NM_000492.4(CFTR):c.164+12T>C

Gene: CFTR (CF transmembrane conductance regulator; plus strand). Cytogenetic location: 7q31.2.
Variant type: single nucleotide variant.
Coding change: c.164+12T>C on transcript NM_000492.4 (MANE Select); 12 bases into the intron after coding-DNA position 164, T replaced by C.
Molecular consequence: intron variant.
Genome position (GRCh38, 1-based): chr7:117,504,375, T>C. VCF-style: chr7-117504375-T-C. GRCh37 (hg19) VCF-style: chr7-117144429-T-C.
Other names: 296+ 12T- >C.
Identifiers: ClinVar variation 53302 (VCV000053302.43), dbSNP rs121908790, ClinGen allele CA326561.